The following is an entry in ClinVar:

NM_004370.6(COL12A1):c.7698A>C (p.Ala2566=)

Gene: COL12A1 (collagen type XII alpha 1 chain; minus strand). Cytogenetic location: 6q13.
Variant type: single nucleotide variant.
Coding change: c.7698A>C on transcript NM_004370.6 (MANE Select); coding-DNA position 7698, A replaced by C.
Protein change: p.Ala2566=; no amino-acid change (alanine 2566 retained).
Molecular consequence: synonymous variant.
Genome position (GRCh38, 1-based): chr6:75,113,744, T>G on the plus strand (A>C on the coding strand, the complement: COL12A1 is on the minus strand). VCF-style: chr6-75113744-T-G. GRCh37 (hg19) VCF-style: chr6-75823460-T-G.
Other names: c.4206A>C, p.Ala1402= (NM_080645.3); c.7698A>C (NM_004370.5).
Identifiers: ClinVar variation 1364202 (VCV001364202.7), dbSNP rs775579405, ClinGen allele CA3892474.

ClinVar aggregate classification (germline): Conflicting classifications of pathogenicity. Review status: criteria provided, conflicting classifications (1 of 4 stars). 2 submissions from 2 submitters: Uncertain significance (1); Likely benign (1). Last evaluated 2025-10-14.

Conditions:
Inborn genetic diseases. Identifiers: MedGen C0950123, MeSH D030342.
Ullrich congenital muscular dystrophy 2 (UCMD2). Identifiers: Orphanet 75840, MedGen C4225314, MONDO:0014654, OMIM 616470.
Bethlem myopathy 2 (BTHLM2). Identifiers: Orphanet 536516, Orphanet 610, MedGen C4225313, MONDO:0034022, OMIM 616471.

Allele frequency attached by ClinVar (database versions not stated): gnomAD exomes 0.00001 and 0.00003; TOPMed 0.00001; ExAC 0.00004.
gnomAD v4.1: 9 of 1,565,552 alleles (0.00057%); highest among the groups gnomAD compares: Middle Eastern, 0.017%; no homozygotes.

Submissions (2):

Ambry Genetics
Classification: Likely benign for Inborn genetic diseases. Last evaluated: 2025-10-14. Review status: criteria provided, single submitter. Criteria: Ambry Variant Classification Scheme 2023. Collection method: clinical testing. Allele origin: germline.

Labcorp Genetics (formerly Invitae), Labcorp
Classification: Uncertain significance for Bethlem myopathy 2; Ullrich congenital muscular dystrophy 2. Last evaluated: 2024-11-18. Review status: criteria provided, single submitter. Criteria: Invitae Variant Classification Sherloc (09022015). Collection method: clinical testing. Allele origin: germline.
Comment: This sequence change affects codon 2566 of the COL12A1 mRNA. It is a 'silent' change, meaning that it does not change the encoded amino acid sequence of the COL12A1 protein. It affects a nucleotide within the consensus splice site. This variant is present in population databases (rs775579405, gnomAD 0.02%). This variant has not been reported in the literature in individuals affected with COL12A1-related conditions. ClinVar contains an entry for this variant (Variation ID: 1364202). Algorithms developed to predict the effect of sequence changes on RNA splicing suggest that this variant is not likely to affect RNA splicing. In summary, the available evidence is currently insufficient to determine the role of this variant in disease. Therefore, it has been classified as a Variant of Uncertain Significance.